The following is an entry in ClinVar:

NM_001348768.2(HECW2):c.748T>G (p.Ser250Ala)

Gene: HECW2 (HECT, C2 and WW domain containing E3 ubiquitin protein ligase 2; minus strand). Cytogenetic location: 2q32.3.
Variant type: single nucleotide variant.
Coding change: c.748T>G on transcript NM_001348768.2 (MANE Select); coding-DNA position 748, T replaced by G.
Protein change: p.Ser250Ala; replaces serine 250 with alanine.
Molecular consequence: missense variant. On other transcripts: 5 prime UTR variant (1).
Genome position (GRCh38, 1-based): chr2:196,322,614, A>C on the plus strand (T>G on the coding strand, the complement: HECW2 is on the minus strand). VCF-style: chr2-196322614-A-C. GRCh37 (hg19) VCF-style: chr2-197187338-A-C.
Other names: c.-220T>G (NM_001304840.3); c.748T>G, p.Ser250Ala (NM_020760.4); short protein forms S250A.
Identifiers: ClinVar variation 3365294 (VCV003365294.1).

ClinVar aggregate classification (germline): Uncertain significance (1 of 4 stars; one submission).

Submission:

GeneDx
Classification: Uncertain significance. Last evaluated: 2023-12-08. Review status: criteria provided, single submitter. Criteria: GeneDx Variant Classification Process June 2021. Collection method: clinical testing. Allele origin: germline. Affected: yes.
Comment: Not observed at significant frequency in large population cohorts (gnomAD); In silico analysis supports that this missense variant does not alter protein structure/function; Has not been previously published as pathogenic or benign to our knowledge